The following is an entry in ClinVar:

NM_023036.6(DNAI2):c.1131G>A (p.Pro377=)

Gene: DNAI2 (dynein axonemal intermediate chain 2; plus strand). Cytogenetic location: 17q25.1.
Variant type: single nucleotide variant.
Coding change: c.1131G>A on transcript NM_023036.6 (MANE Select); coding-DNA position 1131, G replaced by A.
Protein change: p.Pro377=; no amino-acid change (proline 377 retained).
Molecular consequence: synonymous variant. On other transcripts: non-coding transcript variant (1).
Genome position (GRCh38, 1-based): chr17:74,305,362, G>A. VCF-style: chr17-74305362-G-A. GRCh37 (hg19) VCF-style: chr17-72301501-G-A.
Other names: p.Pro377=; c.1131G>A, p.Pro377= (NM_001172810.3, NM_001353167.2).
Identifiers: ClinVar variation 261639 (VCV000261639.24), dbSNP rs59499600, ClinGen allele CA8745614.

ClinVar aggregate classification (germline): Benign/Likely benign. Review status: criteria provided, multiple submitters, no conflicts (2 of 4 stars). 9 submissions from 9 submitters: Benign (6); Likely benign (2). 1 of the submissions does not count toward it. Last evaluated 2026-02-01.

Conditions:
Primary ciliary dyskinesia 9. Also called: CILIARY DYSKINESIA, PRIMARY, 9, WITH OR WITHOUT SITUS INVERSUS. Identifiers: Orphanet 244, MedGen C2676235, MONDO:0012906, OMIM 612444.
Primary ciliary dyskinesia. Also called: Ciliary dyskinesia. Identifiers: Orphanet 244, MedGen C0008780, MONDO:0016575, HP:0012265.

Allele frequency attached by ClinVar (database versions not stated): gnomAD exomes 0.00128 and 0.00317; ExAC 0.00383; gnomAD 0.01158 and 0.01236; ESP Exome Variant Server 0.01284; 1000 Genomes Project 0.01318; TOPMed 0.01348; 1000 Genomes Project 30x 0.01405.
gnomAD v4.1: 3,717 of 1,614,112 alleles (0.23%); highest among the groups gnomAD compares: African/African-American, 4.2%; 68 homozygotes.

Submissions (9):

Labcorp Genetics (formerly Invitae), Labcorp
Classification: Benign for Primary ciliary dyskinesia. Last evaluated: 2026-02-01. Review status: criteria provided, single submitter. Criteria: Invitae Variant Classification Sherloc (09022015). Collection method: clinical testing. Allele origin: germline.

Mayo Clinic Laboratories, Mayo Clinic
Classification: Benign. Last evaluated: 2024-10-16. Review status: criteria provided, single submitter. Criteria: ACMG Guidelines, 2015. Collection method: clinical testing. Allele origin: germline. Observed: 1 variant allele.
Comment: BA1, BP4, BP7

ARUP Laboratories, Molecular Genetics and Genomics, ARUP Laboratories
Classification: Benign for Primary ciliary dyskinesia 9. Last evaluated: 2023-11-29. Review status: criteria provided, single submitter. Criteria: ARUP Molecular Germline Variant Investigation Process 2024. Collection method: clinical testing. Allele origin: germline.

GeneDx
Classification: Likely benign. Last evaluated: 2019-03-25. Review status: criteria provided, single submitter. Criteria: GeneDx Variant Classification Process June 2021. Collection method: clinical testing. Allele origin: germline. Affected: yes.

Illumina Laboratory Services, Illumina
Classification: Benign for Primary ciliary dyskinesia 9. Last evaluated: 2018-01-12. Review status: criteria provided, single submitter. Criteria: ICSL Variant Classification Criteria 13 December 2019. Collection method: clinical testing. Allele origin: germline.
Comment: This variant was observed in the ICSL laboratory as part of a predisposition screen in an ostensibly healthy population. It had not been previously curated by ICSL or reported in the Human Gene Mutation Database (HGMD: prior to June 1st, 2018), and was therefore a candidate for classification through an automated scoring system. Utilizing variant allele frequency, disease prevalence and penetrance estimates, and inheritance mode, an automated score was calculated to assess if this variant is too frequent to cause the disease. Based on the score and internal cut-off values, a variant classified as benign is not then subjected to further curation. The score for this variant resulted in a classification of benign for this disease.

Ambry Genetics
Classification: Benign for Primary ciliary dyskinesia. Last evaluated: 2015-08-03. Review status: criteria provided, single submitter. Criteria: Ambry Variant Classification Scheme 2023. Collection method: clinical testing. Allele origin: germline.

Breakthrough Genomics
Classification: Likely benign. Review status: criteria provided, single submitter. Criteria: ACMG Guidelines, 2015. Collection method: not provided. Allele origin: germline. Inheritance: Autosomal recessive inheritance. Affected: yes.

PreventionGenetics, part of Exact Sciences
Classification: Benign. Review status: criteria provided, single submitter. Criteria: ACMG Guidelines, 2015. Collection method: clinical testing. Allele origin: germline.

Natera, Inc.
Classification: Benign for Primary ciliary dyskinesia. Last evaluated: 2020-09-16. Review status: no assertion criteria provided. Collection method: clinical testing. Allele origin: germline. Not counted in ClinVar's aggregate classification.